The following is an entry in ClinVar:

ClinVar aggregate classification (germline): Uncertain significance. Review status: criteria provided, multiple submitters, no conflicts (2 of 4 stars). 5 submissions from 5 submitters: Uncertain significance (4). 1 of the submissions does not count toward it. Last evaluated 2026-05-28.

Conditions:
Idiopathic Pulmonary Fibrosis. Also called: Idiopathic fibrosing alveolitis, chronic form; idiopathic fibrosing alveolitis. Identifiers: Orphanet 2032, MedGen C1800706, MeSH D054990, MONDO:0800504.
Dyskeratosis congenita, autosomal dominant 2. Identifiers: MedGen C3151443, MONDO:0013521, OMIM 613989.
TERT-related disorder. Also called: TERT-related disorders; TERT-related condition.
Pulmonary fibrosis. Identifiers: MedGen C0034069, MONDO:0002771, HP:0002206.
Dyskeratosis congenita. Identifiers: Orphanet 1775, MedGen C0265965, MONDO:0015780.

Allele frequency attached by ClinVar (database versions not stated): TOPMed 0.00001; 1000 Genomes Project 30x 0.00031.
gnomAD v4.1: 13 of 1,524,376 alleles (0.00085%); highest among the groups gnomAD compares: Admixed American, 0.014%; no homozygotes.

Submissions (5):

PreventionGenetics, part of Exact Sciences
Classification: Uncertain significance for TERT-related condition. Last evaluated: 2026-05-28. Review status: criteria provided, single submitter. Criteria: ACMG Guidelines, 2015. Collection method: clinical testing. Allele origin: germline.
Comment: The TERT c.193C>A variant is predicted to result in the amino acid substitution p.Pro65Thr. This variant has been reported in the heterozygous state in multiple individuals with pulmonary fibrosis or telomere biology disorders (Arias-Salgado et al. 2019. PubMed ID: 30995915; Table S4, Zhang et al. 2022. PubMed ID: 36028256; Gomes et al. 2025. PubMed ID: 40668659), in the homozygous state or with a second TERT variant in two individuals with aplastic anemia (Gutierrez-Rodrigues et al. 2018. PubMed ID: 30523342; Arias-Salgado et al. 2019. PubMed ID: 30995915), and in the compound heterozygous state with a loss-of-function TERT variant in an individual with dyskeratosis congenita (Tejero et al. 2025. PubMed ID: 41088272). In vitro experimental studies suggest this variant does not significantly affect telomerase activity but does increase DNA damage response at telomeres (Fernández-Varas et al. 2024. PubMed ID: 38641551). This variant is reported in 0.0043% of alleles in individuals of Latino descent in gnomAD and is interpreted as variant of uncertain significance in ClinVar (Variation ID: 471840). An alternate missense substitution affecting the same amino acid position (p.Pro65Ala) has been reported in multiple individuals with acute myeloid leukemia, myelodysplastic syndrome, or liver cirrhosis (Calado et al. 2009. PubMed ID: 19147845; Hartmann et al. 2011. PubMed ID: 21520174; Feurstein et al. 2022. PubMed ID: 35969835). However, it has conflicting interpretations in Clinvar, ranging from likely pathogenic to likely benign (Variation ID: 471841). Although we suspect that the c.193C>A (p.Pro65Thr) variant may be pathogenic, at this time, the clinical significance of this variant is uncertain due to the absence of conclusive functional and genetic evidence.

Labcorp Genetics (formerly Invitae), Labcorp
Classification: Uncertain significance for Dyskeratosis congenita, autosomal dominant 2; Idiopathic Pulmonary Fibrosis. Last evaluated: 2026-01-26. Review status: criteria provided, single submitter. Criteria: Invitae Variant Classification Sherloc (09022015). Collection method: clinical testing. Allele origin: germline.
Comment: This sequence change replaces proline, which is neutral and non-polar, with threonine, which is neutral and polar, at codon 65 of the TERT protein (p.Pro65Thr). This variant is present in population databases (no rsID available, gnomAD 0.009%). This missense change has been observed in individual(s) with aplastic anemia and/or pulmonary fibrosis (PMID: 30995915, 36028256). ClinVar contains an entry for this variant (Variation ID: 471840). Invitae Evidence Modeling of protein sequence and biophysical properties (such as structural, functional, and spatial information, amino acid conservation, physicochemical variation, residue mobility, and thermodynamic stability) has been performed for this missense variant. However, the output from this modeling did not meet the statistical confidence thresholds required to predict the impact of this variant on TERT protein function. In summary, the available evidence is currently insufficient to determine the role of this variant in disease. Therefore, it has been classified as a Variant of Uncertain Significance.

Ambry Genetics
Classification: Uncertain significance for Dyskeratosis congenita. Last evaluated: 2025-01-18. Review status: criteria provided, single submitter. Criteria: Ambry Variant Classification Scheme 2023. Collection method: clinical testing. Allele origin: germline.
Comment: The p.P65T variant (also known as c.193C>A), located in coding exon 1 of the TERT gene, results from a C to A substitution at nucleotide position 193. The proline at codon 65 is replaced by threonine, an amino acid with highly similar properties. This variant has been identified in the homozygous state and/or in conjunction with other TERT variant(s) in individual(s) with features consistent with TERT-related disorder (Gutierrez-Rodrigues F et al. Genet Med, 2019 Jul;21:1594-1602; Gutierrez-Rodrigues F et al. Blood, 2023 Apr;141:2100-2113; Gutierrez-Rodrigues F et al. Blood, 2024 Dec;144:2402-2416; Arias-Salgado EG et al. Orphanet J Rare Dis, 2019 Apr;14:82; Silva JPL et al. Mol Biol Rep, 2024 Jun;51:754). This amino acid position is not well conserved in available vertebrate species. In addition, the in silico prediction for this alteration is inconclusive. Based on the available evidence, the clinical significance of this variant remains unclear.

Baylor Genetics
Classification: Uncertain significance for Dyskeratosis congenita, autosomal dominant 2. Last evaluated: 2024-03-20. Review status: criteria provided, single submitter. Criteria: ACMG Guidelines, 2015. Collection method: clinical testing. Allele origin: unknown.

Garcia Pulmonary Genetics Research Laboratory, Columbia University Irving Medical Center
Classification: Likely risk allele for Pulmonary fibrosis. Last evaluated: 2022-06-09. Review status: no assertion criteria provided. Collection method: research. Allele origin: germline. Affected: yes. Not counted in ClinVar's aggregate classification.
Comment: Leukocyte telomere length (by qPCR) less than 10th percentile age-adjusted

Literature cited by the submitters: PubMed 30995915 (cited by Labcorp Genetics (formerly Invitae), Labcorp and Ambry Genetics); PubMed 36028256 (cited by Labcorp Genetics (formerly Invitae), Labcorp); PubMed 30523342 (cited by Ambry Genetics); PubMed 36542832 (cited by Ambry Genetics); PubMed 38874681 (cited by Ambry Genetics); PubMed 39316766 (cited by Ambry Genetics).

NM_198253.3(TERT):c.193C>A (p.Pro65Thr)

Genes: TERT (telomerase reverse transcriptase; minus strand), LOC110806263 (TERT 5' regulatory region; plus strand). Cytogenetic location: 5p15.33.
Variant type: single nucleotide variant.
Coding change: c.193C>A on transcript NM_198253.3 (MANE Select); coding-DNA position 193, C replaced by A.
Protein change: p.Pro65Thr; replaces proline 65 with threonine.
Molecular consequence: missense variant. On other transcripts: non-coding transcript variant (2).
Genome position (GRCh38, 1-based): chr5:1,294,797, G>T on the plus strand (C>A on the coding strand, the complement: TERT is on the minus strand). VCF-style: chr5-1294797-G-T. GRCh37 (hg19) VCF-style: chr5-1294912-G-T.
Other names: p.Pro65Thr; c.193C>A, p.Pro65Thr (NM_001193376.3); short protein forms P65T.
Identifiers: ClinVar variation 471840 (VCV000471840.40), dbSNP rs544215765, ClinGen allele CA112915548.